The following is an entry in ClinVar:

NM_203446.3(SYNJ1):c.3368C>A (p.Pro1123Gln)

Gene: SYNJ1 (synaptojanin 1; minus strand). Cytogenetic location: 21q22.11.
Variant type: single nucleotide variant.
Coding change: c.3368C>A on transcript NM_203446.3 (MANE Select); coding-DNA position 3368, C replaced by A.
Protein change: p.Pro1123Gln; replaces proline 1123 with glutamine.
Molecular consequence: missense variant.
Genome position (GRCh38, 1-based): chr21:32,645,669, G>T on the plus strand (C>A on the coding strand, the complement: SYNJ1 is on the minus strand). VCF-style: chr21-32645669-G-T. GRCh37 (hg19) VCF-style: chr21-34017979-G-T.
Other names: c.3368C>A, p.Pro1123Gln (NM_001160302.2); c.3353C>A, p.Pro1118Gln (NM_001160306.2); c.3485C>A, p.Pro1162Gln (NM_003895.4); short protein forms P1123Q, P1118Q, P1162Q.
Identifiers: ClinVar variation 856384 (VCV000856384.9), dbSNP rs748154988, ClinGen allele CA410068212.

ClinVar aggregate classification (germline): Uncertain significance (1 of 4 stars; one submission).

Conditions:
Developmental and epileptic encephalopathy, 53. Also called: Epileptic encephalopathy, early infantile, 53. Identifiers: MedGen C4479313, MONDO:0033362, OMIM 617389.
Early-onset Parkinson disease 20. Also called: PARKINSON DISEASE 20, AUTOSOMAL RECESSIVE EARLY-ONSET. Identifiers: Orphanet 391411, MedGen C3809824, MONDO:0014233, OMIM 615530.

Submission:

Labcorp Genetics (formerly Invitae), Labcorp
Classification: Uncertain significance for Developmental and epileptic encephalopathy, 53; Early-onset Parkinson disease 20. Last evaluated: 2022-08-16. Review status: criteria provided, single submitter. Criteria: Invitae Variant Classification Sherloc (09022015). Collection method: clinical testing. Allele origin: germline.
Comment: This variant has not been reported in the literature in individuals affected with SYNJ1-related conditions. This variant is not present in population databases (gnomAD no frequency). This sequence change replaces proline, which is neutral and non-polar, with glutamine, which is neutral and polar, at codon 1162 of the SYNJ1 protein (p.Pro1162Gln). ClinVar contains an entry for this variant (Variation ID: 856384). In summary, the available evidence is currently insufficient to determine the role of this variant in disease. Therefore, it has been classified as a Variant of Uncertain Significance. Algorithms developed to predict the effect of missense changes on protein structure and function are either unavailable or do not agree on the potential impact of this missense change (SIFT: "Deleterious"; PolyPhen-2: "Probably Damaging"; Align-GVGD: "Class C0").